The following is an entry in ClinVar:

ClinVar aggregate classification (germline): Uncertain significance. Review status: criteria provided, multiple submitters, no conflicts (2 of 4 stars). 3 submissions from 3 submitters: Uncertain significance (3). Last evaluated 2024-08-08.

Conditions:
LZTR1-related schwannomatosis. Also called: Schwannomatosis 2; Schwannomatosis-2, susceptibility to. Identifiers: Orphanet 93921, MedGen C3810283, MONDO:0014299, OMIM 615670.
Cardiovascular phenotype. Identifiers: MedGen CN230736.
Hereditary cancer-predisposing syndrome. Also called: Hereditary Cancer Syndrome; Neoplastic Syndromes, Hereditary; Tumor predisposition; Hereditary neoplastic syndrome. Identifiers: Orphanet 140162, MedGen C0027672, MeSH D009386, MONDO:0015356.

Allele frequency attached by ClinVar (database versions not stated): gnomAD exomes below 0.00001; TOPMed below 0.00001.
gnomAD v4.1: 2 of 1,614,058 alleles (0.00012%); highest among the groups gnomAD compares: Non-Finnish European, 0.00017%; no homozygotes.

Submissions (3):

Labcorp Genetics (formerly Invitae), Labcorp
Classification: Uncertain significance. Last evaluated: 2024-08-08. Review status: criteria provided, single submitter. Criteria: Invitae Variant Classification Sherloc (09022015). Collection method: clinical testing. Allele origin: germline.
Comment: This sequence change replaces phenylalanine, which is neutral and non-polar, with serine, which is neutral and polar, at codon 83 of the LZTR1 protein (p.Phe83Ser). This variant is not present in population databases (gnomAD no frequency). This variant has not been reported in the literature in individuals affected with LZTR1-related conditions. ClinVar contains an entry for this variant (Variation ID: 2180416). Advanced modeling of protein sequence and biophysical properties (such as structural, functional, and spatial information, amino acid conservation, physicochemical variation, residue mobility, and thermodynamic stability) performed at Invitae indicates that this missense variant is not expected to disrupt LZTR1 protein function with a negative predictive value of 80%. In summary, the available evidence is currently insufficient to determine the role of this variant in disease. Therefore, it has been classified as a Variant of Uncertain Significance.

Ambry Genetics
Classification: Uncertain significance for Cardiovascular phenotype; Hereditary cancer-predisposing syndrome. Last evaluated: 2023-07-13. Review status: criteria provided, single submitter. Criteria: Ambry Variant Classification Scheme 2023. Collection method: clinical testing. Allele origin: germline.
Comment: The p.F83S variant (also known as c.248T>C), located in coding exon 2 of the LZTR1 gene, results from a T to C substitution at nucleotide position 248. The phenylalanine at codon 83 is replaced by serine, an amino acid with highly dissimilar properties. This amino acid position is conserved. In addition, this alteration is predicted to be deleterious by in silico analysis. Since supporting evidence is limited at this time, the clinical significance of this alteration remains unclear.

Baylor Genetics
Classification: Uncertain significance for LZTR1-related schwannomatosis. Last evaluated: 2023-05-01. Review status: criteria provided, single submitter. Criteria: ACMG Guidelines, 2015. Collection method: clinical testing. Allele origin: unknown.

NM_006767.4(LZTR1):c.248T>C (p.Phe83Ser)

Gene: LZTR1 (leucine zipper like post translational regulator 1; plus strand). Cytogenetic location: 22q11.21.
Variant type: single nucleotide variant.
Coding change: c.248T>C on transcript NM_006767.4 (MANE Select); coding-DNA position 248, T replaced by C.
Protein change: p.Phe83Ser; replaces phenylalanine 83 with serine.
Molecular consequence: missense variant.
Genome position (GRCh38, 1-based): chr22:20,983,074, T>C. VCF-style: chr22-20983074-T-C. GRCh37 (hg19) VCF-style: chr22-21337363-T-C.
Other names: c.248T>C (NM_006767.3); short protein forms F83S.
Identifiers: ClinVar variation 2180416 (VCV002180416.6), dbSNP rs1924257727, ClinGen allele CA410778402.
Genomic context (GRCh38, chr22:20,983,074, plus strand): 5'-CCTTTCTTTCCAGGCGCAGCAAGCACACAGTGGTGGCCTATAAAGATGCCATTTATGTAT[T>C]TGGTGGAGACAATGGGTGAGTGAGTCTCAGCATCAGTGTTTGGACCAGGTAGGGAGAAGT-3'
Protein context (NP_006758.2, residues 73-93): VVAYKDAIYV[Phe83Ser]GGDNGKTMLN